The following is an entry in ClinVar:

ClinVar aggregate classification (germline): Pathogenic (1 of 4 stars; one submission).

Conditions:
Inborn genetic diseases. Identifiers: MedGen C0950123, MeSH D030342.

Submission:

Ambry Genetics
Classification: Pathogenic for Inborn genetic diseases. Last evaluated: 2015-10-22. Review status: criteria provided, single submitter. Criteria: Ambry Variant Classification Scheme 2023. Collection method: clinical testing. Allele origin: germline.
Comment: The c.147delC pathogenic mutation, located in coding exon 1 of the KDM5C gene, results from a deletion of one nucleotide at position 147, causing a translational frameshift with a predicted alternate stop codon. Since frameshifts are typically deleterious in nature, this alteration is interpreted as a disease-causing mutation (ACMG Recommendations for Standards for Interpretation and Reporting of Sequence Variations. Revision 2007. Genet Med. 2008;10:294).

NM_004187.5(KDM5C):c.147del (p.Ala50fs)

Gene: KDM5C (lysine demethylase 5C; minus strand). Cytogenetic location: Xp11.22.
Variant type: Deletion.
Coding change: c.147del on transcript NM_004187.5 (MANE Select); coding-DNA position 147, one base deleted (C; older notation c.147delC).
Protein change: p.Ala50fs; shifts the reading frame from alanine 50.
Molecular consequence: frameshift variant. On other transcripts: non-coding transcript variant (3).
Genome position (GRCh38, 1-based): chrX:53,224,743, G deleted on the plus strand (C on the coding strand, the reverse complement: KDM5C is on the minus strand); the first of 3 consecutive G bases (chrX:53,224,743-53,224,745); deleting any one gives the same sequence. VCF-style (leftmost placement, unchanged base first): chrX-53224742-CG-C. GRCh37 (hg19) VCF-style: chrX-53253924-CG-C.
Other names: c.147del, p.Ala50fs (NM_001146702.2, NM_001282622.3, NM_001353978.3 and 4 more transcripts); short protein forms A50fs.
Identifiers: ClinVar variation 1773537 (VCV001773537.2), dbSNP rs2519628292, ClinGen allele CA2580101175.
Genomic context (GRCh38, chrX:53,224,742, plus strand): 5'-GGCTATCCTACTGCTTCATTCCGTCTCGCCGCCGGCGAAAACCGGCCCCGGGGCTTACCG[CG>C]GGTGGGCGGATCTTGCAAATGCCCGATTTCTCTGCGATGGGCCTGATTTTCGCGATGTAG-3'